The following is an entry in ClinVar:

NM_001375654.1(RP1):c.3310del (p.Met1104fs)

Gene: RP1 (RP1 axonemal microtubule associated; plus strand). Cytogenetic location: 8q12.1.
Variant type: Deletion.
Coding change: c.3310del on transcript NM_001375654.1; coding-DNA position 3310, one base deleted (A; older notation c.3310delA).
Protein change: p.Met1104fs; shifts the reading frame from methionine 1104.
Molecular consequence: frameshift variant.
Genome position (GRCh38, 1-based): chr8:54,770,125, A deleted; the last of 3 consecutive A bases (chr8:54,770,123-54,770,125); deleting any one gives the same sequence. VCF-style (leftmost placement, unchanged base first): chr8-54770122-GA-G. GRCh37 (hg19) VCF-style: chr8-55682682-GA-G.
Other names: p.Met1104CysfsTer3; short protein forms M1104fs.
Identifiers: ClinVar variation 5038049 (VCV005038049.1).
Genomic context (GRCh38, chr8:54,770,122, plus strand): 5'-CCCACTTACAATGTCATCAGACAGATCTGTTATTAACTGCACTTCACTTTTATTTTTGCA[GA>G]AATGCAAATAAATCATCAACCTAAAATACAAGAGGAAGCAAATGGTAAATGTTGTTGCCA-3'

ClinVar aggregate classification (germline): Uncertain significance (1 of 4 stars; one submission).

Conditions:
Retinitis pigmentosa 1 (RP1). Identifiers: Orphanet 791, MedGen C0220701, MONDO:0008377, OMIM 180100.

Submission:

Department of Molecular Genetics, Istishari Arab Hospital
Classification: Uncertain significance for Retinitis pigmentosa 1. Last evaluated: 2026-10-29. Review status: criteria provided, single submitter. Criteria: ACMG Guidelines, 2015. Collection method: clinical testing. Allele origin: germline. Inheritance: Autosomal dominant inheritance. Affected: yes.
Comment: The RP1 variant, c.3310del, p.Met1104CysfsTer3, creates a shift in the reading frame at codon 1104 in exon 24 (of 29 exons) in the non-canonical NM_001375654.1 transcript. The variant is not observed in the gnomAD v4.1.0 dataset, and to the best of our knowledge, it was not previously reported in the literature. It is classified as a variant of uncertain significance based on the implementation of the ACMG/AMP/ClinGen SVI guidelines.